The following is an entry in ClinVar:

GRCh37/hg19 17p12-11.2(chr17:15694772-20582794)x1

Genes: ADORA2B (adenosine A2b receptor; plus strand), AKAP10 (A-kinase anchoring protein 10; minus strand), ALDH3A1 (aldehyde dehydrogenase 3 family member A1; minus strand), ALDH3A2 (aldehyde dehydrogenase 3 family member A2; plus strand), ALKBH5 (alkB homolog 5, RNA demethylase; plus strand) and 58 more. Cytogenetic location: 17p12-11.2.
Variant type: copy number loss.
Change: copy number 1 (one copy instead of two) of chr17:15,694,772-20,582,794 (4.89 Mb, GRCh37 coordinates, 1-based), cytogenetic band 17p12-11.2.
Identifiers: ClinVar variation 2685597 (VCV002685597.1).

ClinVar aggregate classification (germline): Pathogenic (1 of 4 stars; one submission).

Submission:

Quest Diagnostics Nichols Institute San Juan Capistrano
Classification: Pathogenic. Last evaluated: 2023-02-09. Review status: criteria provided, single submitter. Criteria: ACMG/ClinGen CNV Guidelines, 2019. Collection method: clinical testing. Allele origin: unknown.
Comment: This copy number loss involves multiple genes, including RAI1 (607642), haploinsufficiency of which is associated with Smith-Magenis syndrome (OMIM 182290; Rehm et al., N Engl J Med. 2015 Jun 4;372(23):2235-42. PMID: 26014595 (HGNC:9834); Falco et al., Appl Clin Genet. 2017 Nov 3;10:85-94. PMID: 29138588; Girirajan et al., Genet Med. 2006 Jul;8(7):417-27. PMID: 16845274; Gropman et al., Curr Opin Neurol. 2007 Apr;20(2):125-34. PMID: 17351481; Rinaldi et al., Genes (Basel). 2022 Feb 11;13(2):335. PMID: 35205380). See GeneReviews for additional information and references.